The following is an entry in ClinVar:

NM_001369.3(DNAH5):c.4525G>A (p.Val1509Met)

Genes: DNAH5 (dynein axonemal heavy chain 5; minus strand), DNAH5-AS1 (DNAH5 antisense RNA 1; plus strand). Cytogenetic location: 5p15.2.
Variant type: single nucleotide variant.
Coding change: c.4525G>A on transcript NM_001369.3 (MANE Select); coding-DNA position 4525, G replaced by A.
Protein change: p.Val1509Met; replaces valine 1509 with methionine.
Molecular consequence: missense variant.
Genome position (GRCh38, 1-based): chr5:13,864,468, C>T on the plus strand (G>A on the coding strand, the complement: DNAH5 is on the minus strand). VCF-style: chr5-13864468-C-T. GRCh37 (hg19) VCF-style: chr5-13864577-C-T.
Other names: short protein forms V1509M.
Identifiers: ClinVar variation 697516 (VCV000697516.21), dbSNP rs140345677, ClinGen allele CA3203962.

ClinVar aggregate classification (germline): Conflicting classifications of pathogenicity. Review status: criteria provided, conflicting classifications (1 of 4 stars). 7 submissions from 7 submitters: Uncertain significance (3); Likely benign (2). 2 of the submissions do not count toward it. Last evaluated 2026-01-16.

Conditions:
DNAH5-related disorder. Also called: DNAH5-related condition.
Primary ciliary dyskinesia. Also called: Ciliary dyskinesia. Identifiers: Orphanet 244, MedGen C0008780, MONDO:0016575, HP:0012265.
Primary ciliary dyskinesia 3. Identifiers: Orphanet 244, MedGen C1837618, MONDO:0012085, OMIM 608644.

Allele frequency attached by ClinVar (database versions not stated): ExAC 0.00014; gnomAD exomes 0.00014 and 0.00023; 1000 Genomes Project 30x 0.00016; 1000 Genomes Project 0.00020; ESP Exome Variant Server 0.00031; gnomAD 0.00034 and 0.00039; TOPMed 0.00050.
gnomAD v4.1: 280 of 1,614,192 alleles (0.017%); highest among the groups gnomAD compares: African/African-American, 0.11%; no homozygotes.

Submissions (7):

Labcorp Genetics (formerly Invitae), Labcorp
Classification: Likely benign for Primary ciliary dyskinesia. Last evaluated: 2026-01-16. Review status: criteria provided, single submitter. Criteria: Invitae Variant Classification Sherloc (09022015). Collection method: clinical testing. Allele origin: germline.

GeneDx
Classification: Uncertain significance. Last evaluated: 2024-07-24. Review status: criteria provided, single submitter. Criteria: GeneDx Variant Classification Process June 2021. Collection method: clinical testing. Allele origin: germline. Affected: yes.
Comment: In silico analysis indicates that this missense variant does not alter protein structure/function; Has not been previously published as pathogenic or benign to our knowledge

Ambry Genetics
Classification: Likely benign for Primary ciliary dyskinesia. Last evaluated: 2022-04-19. Review status: criteria provided, single submitter. Criteria: Ambry Variant Classification Scheme 2023. Collection method: clinical testing. Allele origin: germline.

Blueprint Genetics
Classification: Uncertain significance. Last evaluated: 2022-01-20. Review status: criteria provided, single submitter. Criteria: ACMG Guidelines, 2015. Collection method: clinical testing. Allele origin: germline.

Illumina Laboratory Services, Illumina
Classification: Uncertain significance for Primary ciliary dyskinesia 3. Last evaluated: 2018-01-12. Review status: criteria provided, single submitter. Criteria: ICSL Variant Classification Criteria 13 December 2019. Collection method: clinical testing. Allele origin: germline.

PreventionGenetics, part of Exact Sciences
Classification: Likely benign for DNAH5-related condition. Last evaluated: 2024-07-24. Review status: no assertion criteria provided. Collection method: clinical testing. Allele origin: germline. Not counted in ClinVar's aggregate classification.
Comment: This variant is classified as likely benign based on ACMG/AMP sequence variant interpretation guidelines (Richards et al. 2015 PMID: 25741868, with internal and published modifications).

Natera, Inc.
Classification: Uncertain significance for Primary ciliary dyskinesia. Last evaluated: 2020-04-18. Review status: no assertion criteria provided. Collection method: clinical testing. Allele origin: germline. Not counted in ClinVar's aggregate classification.